The following is an entry in ClinVar:

ClinVar aggregate classification (germline): Uncertain significance. Review status: criteria provided, multiple submitters, no conflicts (2 of 4 stars). 2 submissions from 2 submitters: Uncertain significance (2). Last evaluated 2025-01-28.

Conditions:
Inborn genetic diseases. Identifiers: MedGen C0950123, MeSH D030342.
DDX41-related hematologic malignancy predisposition syndrome. Also called: DDX41-Associated Familial Myelodysplastic Syndrome and Acute Myeloid Leukemia; Myeloproliferative/lymphoproliferative neoplasms, familial (multiple types), susceptibility to. Identifiers: Orphanet 488647, MedGen C4225174, MONDO:0014809, OMIM 616871.

Allele frequency attached by ClinVar (database versions not stated): TOPMed 0.00001.

Submissions (2):

Ambry Genetics
Classification: Uncertain significance for Inborn genetic diseases. Last evaluated: 2025-01-28. Review status: criteria provided, single submitter. Criteria: Ambry Variant Classification Scheme 2023. Collection method: clinical testing. Allele origin: germline.
Comment: The p.R150C variant (also known as c.448C>T), located in coding exon 6 of the DDX41 gene, results from a C to T substitution at nucleotide position 448. The arginine at codon 150 is replaced by cysteine, an amino acid with highly dissimilar properties. This amino acid position is highly conserved in available vertebrate species. In addition, this alteration is predicted to be tolerated by in silico analysis. Based on the available evidence, the clinical significance of this variant remains unclear.

Baylor Genetics
Classification: Uncertain significance for DDX41-related hematologic malignancy predisposition syndrome. Last evaluated: 2023-11-30. Review status: criteria provided, single submitter. Criteria: ACMG Guidelines, 2015. Collection method: clinical testing. Allele origin: unknown.

NM_016222.4(DDX41):c.448C>T (p.Arg150Cys)

Gene: DDX41 (DEAD-box helicase 41; minus strand). Cytogenetic location: 5q35.3.
Variant type: single nucleotide variant.
Coding change: c.448C>T on transcript NM_016222.4 (MANE Select); coding-DNA position 448, C replaced by T.
Protein change: p.Arg150Cys; replaces arginine 150 with cysteine.
Molecular consequence: missense variant.
Genome position (GRCh38, 1-based): chr5:177,515,808, G>A on the plus strand (C>T on the coding strand, the complement: DDX41 is on the minus strand). VCF-style: chr5-177515808-G-A. GRCh37 (hg19) VCF-style: chr5-176942809-G-A.
Other names: c.70C>T, p.Arg24Cys (NM_001321732.2, NM_001321830.2); c.448C>T (NM_016222.2); short protein forms R150C, R24C.
Identifiers: ClinVar variation 3241309 (VCV003241309.2), dbSNP rs1420691936.